The following is an entry in ClinVar:

NM_001042702.5(PJVK):c.445A>G (p.Arg149Gly)

Gene: PJVK (pejvakin; plus strand). Cytogenetic location: 2q31.2.
Variant type: single nucleotide variant.
Coding change: c.445A>G on transcript NM_001042702.5 (MANE Select); coding-DNA position 445, A replaced by G.
Protein change: p.Arg149Gly; replaces arginine 149 with glycine.
Molecular consequence: missense variant. On other transcripts: 5 prime UTR variant (2).
Genome position (GRCh38, 1-based): chr2:178,456,047, A>G. VCF-style: chr2-178456047-A-G. GRCh37 (hg19) VCF-style: chr2-179320774-A-G.
Other names: c.454A>G, p.Arg152Gly (NM_001353775.2); c.550A>G, p.Arg184Gly (NM_001353776.2); c.-33A>G (NM_001353777.1, NM_001353778.2); c.445A>G, p.Arg149Gly (NM_001369912.1); short protein forms R149G, R152G, R184G.
Identifiers: ClinVar variation 1683213 (VCV001683213.8), dbSNP rs759598949, ClinGen allele CA1984199.

ClinVar aggregate classification (germline): Uncertain significance (1 of 4 stars; one submission).

Allele frequency attached by ClinVar (database versions not stated): gnomAD exomes below 0.00001 and 0.00001; TOPMed below 0.00001; ExAC 0.00001.
gnomAD v4.1: 3 of 1,614,218 alleles (0.00019%); highest among the groups gnomAD compares: Non-Finnish European, 0.00025%; no homozygotes.

Submission:

Labcorp Genetics (formerly Invitae), Labcorp
Classification: Uncertain significance. Last evaluated: 2022-06-27. Review status: criteria provided, single submitter. Criteria: Invitae Variant Classification Sherloc (09022015). Collection method: clinical testing. Allele origin: germline.
Comment: This sequence change replaces arginine, which is basic and polar, with glycine, which is neutral and non-polar, at codon 149 of the DFNB59 protein (p.Arg149Gly). In summary, the available evidence is currently insufficient to determine the role of this variant in disease. Therefore, it has been classified as a Variant of Uncertain Significance. Algorithms developed to predict the effect of sequence changes on RNA splicing suggest that this variant may disrupt the consensus splice site. Algorithms developed to predict the effect of missense changes on protein structure and function are either unavailable or do not agree on the potential impact of this missense change (SIFT: "Deleterious"; PolyPhen-2: "Benign"; Align-GVGD: "Class C0"). This variant has not been reported in the literature in individuals affected with DFNB59-related conditions. This variant is present in population databases (rs759598949, gnomAD 0.002%).